The following is an entry in ClinVar:

NM_024426.6(WT1):c.403C>G (p.Pro135Ala)

Genes: WT1 (WT1 transcription factor; minus strand), LOC107982234 (WT1/WT1-AS bi-directional promoter region; plus strand). Cytogenetic location: 11p13.
Variant type: single nucleotide variant.
Coding change: c.403C>G on transcript NM_024426.6 (MANE Select); coding-DNA position 403, C replaced by G.
Protein change: p.Pro135Ala; replaces proline 135 with alanine.
Molecular consequence: missense variant. On other transcripts: non-coding transcript variant (2).
Genome position (GRCh38, 1-based): chr11:32,434,958, G>C on the plus strand (C>G on the coding strand, the complement: WT1 is on the minus strand). VCF-style: chr11-32434958-G-C. GRCh37 (hg19) VCF-style: chr11-32456504-G-C.
Other names: c.403C>G, p.Pro135Ala (NM_000378.6, NM_001407044.1, NM_001407045.1 and 6 more transcripts); c.184C>G, p.Pro62Ala (NM_001429031.1, NM_001429032.1, NM_001429033.1 and 1 more transcripts); short protein forms P130A, P62A, P135A.
Identifiers: ClinVar variation 5032043 (VCV005032043.1).

ClinVar aggregate classification (germline): Uncertain significance (1 of 4 stars; one submission).

Conditions:
Inborn genetic diseases. Identifiers: MedGen C0950123, MeSH D030342.

Submission:

Ambry Genetics
Classification: Uncertain significance for Inborn genetic diseases. Last evaluated: 2026-07-07. Review status: criteria provided, single submitter. Criteria: Ambry Variant Classification Scheme 2023. Collection method: clinical testing. Allele origin: germline.
Comment: The p.P130A variant (also known as c.388C>G), located in coding exon 1 of the WT1 gene, results from a C to G substitution at nucleotide position 388. The proline at codon 130 is replaced by alanine, an amino acid with highly similar properties. This amino acid position is conserved. In addition, this alteration is predicted to be tolerated by in silico analysis. Based on the available evidence, the clinical significance of this variant remains unclear.